The following is an entry in ClinVar:

ClinVar aggregate classification (germline): Likely pathogenic. Review status: criteria provided, single submitter (1 of 4 stars). 2 submissions from 2 submitters: Likely pathogenic (1). 1 of the submissions does not count toward it. Last evaluated 2023-10-25.

Conditions:
Immunodeficiency 33 (IMD33). Also called: X-linked mendelian susceptibility to mycobacterial diseases due to IKBKG deficiency; Immunodeficiency without anhidrotic ectodermal dysplasia. Identifiers: Orphanet 319605, Orphanet 319612, MedGen C1970879, MONDO:0010386, OMIM 300636.

Submissions (2):

GeneDx
Classification: Likely pathogenic. Last evaluated: 2023-10-25. Review status: criteria provided, single submitter. Criteria: GeneDx Variant Classification Process June 2021. Collection method: clinical testing. Allele origin: germline. Affected: yes.
Comment: Published functional studies demonstrate a damaging effect on protein function (PMID: 19185524); In silico analysis supports that this missense variant has a deleterious effect on protein structure/function; This variant is associated with the following publications: (PMID: 26085218, 26240016, 19414794, 24682681, 18350553, 28679735, 15661019, 26230867, 22236433, 36569938, 25703555, 16818673, 25764117, 27744027, 24840983, 31123910, 35289316, 35159348, 18851874, 19185524)

OMIM
Classification: Pathogenic for IMMUNODEFICIENCY 33. Last evaluated: 2006-07-10. Review status: no assertion criteria provided. Collection method: literature only. Allele origin: germline. Not counted in ClinVar's aggregate classification.

Literature cited by the submitters: PubMed 16818673 (cited by OMIM).

NM_001099857.5(IKBKG):c.944A>C (p.Glu315Ala)

Gene: IKBKG (inhibitor of nuclear factor kappa B kinase regulatory subunit gamma; plus strand). Cytogenetic location: Xq28.
Variant type: single nucleotide variant.
Coding change: c.944A>C on transcript NM_001099857.5 (MANE Select); coding-DNA position 944, A replaced by C.
Protein change: p.Glu315Ala; replaces glutamic acid 315 with alanine.
Molecular consequence: missense variant. On other transcripts: non-coding transcript variant (1).
Genome position (GRCh38, 1-based): chrX:154,563,590, A>C. VCF-style: chrX-154563590-A-C. GRCh37 (hg19) VCF-style: chrX-153791805-A-C.
Other names: c.944A>C (NM_003639.3); c.1148A>C, p.Glu383Ala (NM_001099856.6); c.647A>C, p.Glu216Ala (NM_001145255.4); c.944A>C, p.Glu315Ala (NM_001321396.3, NM_001377312.1, NM_003639.4); c.941A>C, p.Glu314Ala (NM_001321397.3, NM_001377313.1); c.788A>C, p.Glu263Ala (NM_001377314.1); c.575A>C, p.Glu192Ala (NM_001377315.1); short protein forms E315A, E216A, E314A, E383A, E192A, E263A.
Identifiers: ClinVar variation 11467 (VCV000011467.5), dbSNP rs137853331, ClinGen allele CA121491.